The following is an entry in ClinVar:

ClinVar aggregate classification (germline): Uncertain significance. Review status: criteria provided, multiple submitters, no conflicts (2 of 4 stars). 2 submissions from 2 submitters: Uncertain significance (2). Last evaluated 2025-08-25.

Conditions:
Inborn genetic diseases. Identifiers: MedGen C0950123, MeSH D030342.

gnomAD v4.1: 4 of 1,613,844 alleles (0.00025%); highest among the groups gnomAD compares: Non-Finnish European, 0.00034%; no homozygotes.

Submissions (2):

Ambry Genetics
Classification: Uncertain significance for Inborn genetic diseases. Last evaluated: 2025-08-25. Review status: criteria provided, single submitter. Criteria: Ambry Variant Classification Scheme 2023. Collection method: clinical testing. Allele origin: germline.

Labcorp Genetics (formerly Invitae), Labcorp
Classification: Uncertain significance. Last evaluated: 2021-05-30. Review status: criteria provided, single submitter. Criteria: Invitae Variant Classification Sherloc (09022015). Collection method: clinical testing. Allele origin: germline.
Comment: Algorithms developed to predict the effect of missense changes on protein structure and function are either unavailable or do not agree on the potential impact of this missense change (SIFT: "Deleterious"; PolyPhen-2: "Benign"; Align-GVGD: "Class C15"). This variant has not been reported in the literature in individuals with TNNI3K-related conditions. This variant is not present in population databases (ExAC no frequency). This sequence change replaces phenylalanine with leucine at codon 167 of the TNNI3K protein (p.Phe167Leu). The phenylalanine residue is highly conserved and there is a small physicochemical difference between phenylalanine and leucine. In summary, the available evidence is currently insufficient to determine the role of this variant in disease. Therefore, it has been classified as a Variant of Uncertain Significance.

NM_015978.3(TNNI3K):c.499T>C (p.Phe167Leu)

Genes: FPGT-TNNI3K (FPGT-TNNI3K readthrough; plus strand), TNNI3K (TNNI3 interacting kinase; plus strand). Cytogenetic location: 1p31.1.
Variant type: single nucleotide variant.
Coding change: c.499T>C on transcript NM_015978.3 (MANE Select); coding-DNA position 499, T replaced by C.
Protein change: p.Phe167Leu; replaces phenylalanine 167 with leucine.
Molecular consequence: missense variant.
Genome position (GRCh38, 1-based): chr1:74,331,504, T>C. VCF-style: chr1-74331504-T-C. GRCh37 (hg19) VCF-style: chr1-74797188-T-C.
Other names: c.802T>C, p.Phe268Leu (NM_001112808.3, NM_001199327.2); c.499T>C (NM_015978.2); short protein forms F167L, F268L.
Identifiers: ClinVar variation 1357491 (VCV001357491.9), dbSNP rs199989250, ClinGen allele CA24515661.